The following is an entry in ClinVar:

NM_001080517.3(SETD5):c.3104A>C (p.Lys1035Thr)

Gene: SETD5 (SET domain containing 5; plus strand). Cytogenetic location: 3p25.3.
Variant type: single nucleotide variant.
Coding change: c.3104A>C on transcript NM_001080517.3 (MANE Select); coding-DNA position 3104, A replaced by C.
Protein change: p.Lys1035Thr; replaces lysine 1035 with threonine.
Molecular consequence: missense variant.
Genome position (GRCh38, 1-based): chr3:9,470,838, A>C. VCF-style: chr3-9470838-A-C. GRCh37 (hg19) VCF-style: chr3-9512522-A-C.
Other names: c.2810A>C, p.Lys937Thr (NM_001292043.2, NM_001349451.2); short protein forms K1035T, K937T.
Identifiers: ClinVar variation 1706159 (VCV001706159.3), dbSNP rs2045217164, ClinGen allele CA351682467.

ClinVar aggregate classification (germline): Uncertain significance. Review status: criteria provided, multiple submitters, no conflicts (2 of 4 stars). 2 submissions from 2 submitters: Uncertain significance (2). Last evaluated 2025-12-13.

Allele frequency attached by ClinVar (database versions not stated): TOPMed below 0.00001.

Submissions (2):

Labcorp Genetics (formerly Invitae), Labcorp
Classification: Uncertain significance. Last evaluated: 2025-12-13. Review status: criteria provided, single submitter. Criteria: Invitae Variant Classification Sherloc (09022015). Collection method: clinical testing. Allele origin: germline.
Comment: This sequence change replaces lysine, which is basic and polar, with threonine, which is neutral and polar, at codon 1035 of the SETD5 protein (p.Lys1035Thr). This variant is not present in population databases (gnomAD no frequency). This variant has not been reported in the literature in individuals affected with SETD5-related conditions. ClinVar contains an entry for this variant (Variation ID: 1706159). Invitae Evidence Modeling of protein sequence and biophysical properties (such as structural, functional, and spatial information, amino acid conservation, physicochemical variation, residue mobility, and thermodynamic stability) indicates that this missense variant is not expected to disrupt SETD5 protein function with a negative predictive value of 80%. In summary, the available evidence is currently insufficient to determine the role of this variant in disease. Therefore, it has been classified as a Variant of Uncertain Significance.

GeneDx
Classification: Uncertain significance. Last evaluated: 2022-03-14. Review status: criteria provided, single submitter. Criteria: GeneDx Variant Classification Process June 2021. Collection method: clinical testing. Allele origin: germline. Affected: yes.
Comment: Not observed at significant frequency in large population cohorts (gnomAD); In silico analysis supports that this missense variant does not alter protein structure/function; Has not been previously published as pathogenic or benign to our knowledge